The following is an entry in ClinVar:

NM_001283009.2(RTEL1):c.3325G>T (p.Asp1109Tyr)

Genes: RTEL1 (regulator of telomere elongation helicase 1; plus strand), RTEL1-TNFRSF6B (RTEL1-TNFRSF6B readthrough (NMD candidate); plus strand). Cytogenetic location: 20q13.33.
Variant type: single nucleotide variant.
Coding change: c.3325G>T on transcript NM_001283009.2 (MANE Select); coding-DNA position 3325, G replaced by T.
Protein change: p.Asp1109Tyr; replaces aspartic acid 1109 with tyrosine.
Molecular consequence: missense variant. On other transcripts: non-coding transcript variant (1).
Genome position (GRCh38, 1-based): chr20:63,694,956, G>T. VCF-style: chr20-63694956-G-T. GRCh37 (hg19) VCF-style: chr20-62326309-G-T.
Other names: c.2656G>T, p.Asp886Tyr (NM_001283010.1); c.3325G>T, p.Asp1109Tyr (NM_016434.4); c.3397G>T, p.Asp1133Tyr (NM_032957.5); short protein forms D1109Y, D886Y, D1133Y.
Identifiers: ClinVar variation 3948381 (VCV003948381.1).

ClinVar aggregate classification (germline): Uncertain significance (1 of 4 stars; one submission).

Conditions:
Inborn genetic diseases. Identifiers: MedGen C0950123, MeSH D030342.

Submission:

Ambry Genetics
Classification: Uncertain significance for Inborn genetic diseases. Last evaluated: 2025-05-08. Review status: criteria provided, single submitter. Criteria: Ambry Variant Classification Scheme 2023. Collection method: clinical testing. Allele origin: germline.
Comment: The p.D1109Y variant (also known as c.3325G>T), located in coding exon 31 of the RTEL1 gene, results from a G to T substitution at nucleotide position 3325. The aspartic acid at codon 1109 is replaced by tyrosine, an amino acid with highly dissimilar properties. This amino acid position is conserved. In addition, the in silico prediction for this alteration is inconclusive. Based on the available evidence, the clinical significance of this variant remains unclear.